The following is an entry in ClinVar:

NM_033305.3(VPS13A):c.3841del (p.Glu1281fs)

Gene: VPS13A (vacuolar protein sorting 13 homolog A; plus strand). Cytogenetic location: 9q21.2.
Variant type: Deletion.
Coding change: c.3841del on transcript NM_033305.3 (MANE Select); coding-DNA position 3841, one base deleted (G; older notation c.3841delG).
Protein change: p.Glu1281fs; shifts the reading frame from glutamic acid 1281.
Molecular consequence: frameshift variant.
Genome position (GRCh38, 1-based): chr9:77,302,943, G deleted; the last of 2 consecutive G bases (chr9:77,302,942-77,302,943); deleting either gives the same sequence. VCF-style (leftmost placement, unchanged base first): chr9-77302941-AG-A. GRCh37 (hg19) VCF-style: chr9-79917857-AG-A.
Other names: c.3724del, p.Glu1242fs (NM_001018037.2); c.3841del, p.Glu1281fs (NM_001018038.3, NM_015186.4); short protein forms E1242fs, E1281fs.
Identifiers: ClinVar variation 1974448 (VCV001974448.5), dbSNP rs2537929480, ClinGen allele CA2580080579.

ClinVar aggregate classification (germline): Pathogenic (1 of 4 stars; one submission).

Submission:

Labcorp Genetics (formerly Invitae), Labcorp
Classification: Pathogenic. Last evaluated: 2022-11-29. Review status: criteria provided, single submitter. Criteria: Invitae Variant Classification Sherloc (09022015). Collection method: clinical testing. Allele origin: germline.
Comment: For these reasons, this variant has been classified as Pathogenic. This variant has not been reported in the literature in individuals affected with VPS13A-related conditions. This variant is not present in population databases (gnomAD no frequency). This sequence change creates a premature translational stop signal (p.Glu1281Lysfs*9) in the VPS13A gene. It is expected to result in an absent or disrupted protein product. Loss-of-function variants in VPS13A are known to be pathogenic (PMID: 12404112, 21598378).

Literature cited by the submitters: PubMed 12404112; PubMed 21598378.